The following is an entry in ClinVar:

ClinVar aggregate classification (germline): Conflicting classifications of pathogenicity. Review status: criteria provided, conflicting classifications (1 of 4 stars). 8 submissions from 8 submitters: Uncertain significance (6); Likely benign (2). Last evaluated 2026-01-27.

Conditions:
MEN1-related disorder. Also called: MEN1-related condition.
Hereditary cancer-predisposing syndrome. Also called: Neoplastic Syndromes, Hereditary; Tumor predisposition; Hereditary Cancer Syndrome; Hereditary neoplastic syndrome. Identifiers: Orphanet 140162, MedGen C0027672, MeSH D009386, MONDO:0015356.
Multiple endocrine neoplasia, type 1 (MEN1). Also called: MEN I; WERMER SYNDROME; Endocrine adenomatosis multiple; MEN 1; MEA I. Identifiers: Orphanet 652, MedGen C0025267, MeSH D018761, MONDO:0007540, OMIM 131100.

Allele frequency attached by ClinVar (database versions not stated): TOPMed below 0.00001; gnomAD 0.00001; gnomAD exomes 0.00003 and 0.00008; ExAC 0.00005.
gnomAD v4.1: 118 of 1,606,898 alleles (0.0073%); highest among the groups gnomAD compares: Non-Finnish European, 0.0093%; no homozygotes.

Submissions (8):

Labcorp Genetics (formerly Invitae), Labcorp
Classification: Likely benign for Multiple endocrine neoplasia, type 1. Last evaluated: 2026-01-27. Review status: criteria provided, single submitter. Criteria: Invitae Variant Classification Sherloc (09022015). Collection method: clinical testing. Allele origin: germline.

PreventionGenetics, part of Exact Sciences
Classification: Uncertain significance for MEN1-related condition. Last evaluated: 2026-01-05. Review status: criteria provided, single submitter. Criteria: ACMG Guidelines, 2015. Collection method: clinical testing. Allele origin: germline.
Comment: The MEN1 c.94C>T variant is predicted to result in the amino acid substitution p.Pro32Ser. To our knowledge, this variant has not been reported in the literature. This variant is reported in 0.0090% of alleles in individuals of Latino descent in gnomAD and has conflicting interpretations regarding its pathogenicity in ClinVar, ranging from likely benign to uncertain (Variation ID: 403830). At this time, the clinical significance of this variant is uncertain due to the absence of conclusive functional and genetic evidence.

Fulgent Genetics
Classification: Uncertain significance for Multiple endocrine neoplasia, type 1. Last evaluated: 2024-02-21. Review status: criteria provided, single submitter. Criteria: ACMG Guidelines, 2015. Collection method: clinical testing. Allele origin: germline.

Color Diagnostics, LLC DBA Color Health
Classification: Uncertain significance for Multiple endocrine neoplasia, type 1. Last evaluated: 2024-01-29. Review status: criteria provided, single submitter. Criteria: ACMG Guidelines, 2015. Collection method: clinical testing. Allele origin: germline.
Comment: This missense variant replaces proline with serine at codon 32 of the MEN1 protein. Computational prediction suggests that this variant may have deleterious impact on protein structure and function. To our knowledge, functional studies have not been reported for this variant. This variant has not been reported in individuals affected with MEN1-related disorders in the literature. This variant has been identified in 8/233960 chromosomes in the general population by the Genome Aggregation Database (gnomAD). The available evidence is insufficient to determine the role of this variant in disease conclusively. Therefore, this variant is classified as a Variant of Uncertain Significance.

Baylor Genetics
Classification: Uncertain significance for Multiple Endocrine Neoplasia Type 1. Last evaluated: 2023-10-24. Review status: criteria provided, single submitter. Criteria: ACMG Guidelines, 2015. Collection method: clinical testing. Allele origin: unknown.

GeneDx
Classification: Uncertain significance. Last evaluated: 2023-03-21. Review status: criteria provided, single submitter. Criteria: GeneDx Variant Classification Process June 2021. Collection method: clinical testing. Allele origin: germline. Affected: yes.
Comment: In silico analysis supports that this missense variant has a deleterious effect on protein structure/function; Has not been previously published as pathogenic or benign to our knowledge; This variant is associated with the following publications: (PMID: 9989505)

Department of Pathology and Laboratory Medicine, Sinai Health System
Classification: Uncertain significance for Multiple endocrine neoplasia, type 1. Last evaluated: 2023-03-13. Review status: criteria provided, single submitter. Criteria: ACMG Guidelines, 2015. Collection method: research. Allele origin: germline.

Ambry Genetics
Classification: Likely benign for Hereditary cancer-predisposing syndrome. Last evaluated: 2022-05-13. Review status: criteria provided, single submitter. Criteria: Ambry Variant Classification Scheme 2023. Collection method: clinical testing. Allele origin: germline.

NM_001370259.2(MEN1):c.94C>T (p.Pro32Ser)

Gene: MEN1 (menin 1; minus strand). Cytogenetic location: 11q13.1.
Variant type: single nucleotide variant.
Coding change: c.94C>T on transcript NM_001370259.2 (MANE Select); coding-DNA position 94, C replaced by T.
Protein change: p.Pro32Ser; replaces proline 32 with serine.
Molecular consequence: missense variant.
Genome position (GRCh38, 1-based): chr11:64,810,016, G>A on the plus strand (C>T on the coding strand, the complement: MEN1 is on the minus strand). VCF-style: chr11-64810016-G-A. GRCh37 (hg19) VCF-style: chr11-64577488-G-A.
Other names: c.94C>T (NM_000244.3); c.94C>T, p.Pro32Ser (NM_000244.4, NM_001370251.2, NM_001370260.2 and 9 more transcripts); short protein forms P32S.
Identifiers: ClinVar variation 403830 (VCV000403830.20), dbSNP rs773089218, ClinGen allele CA061878.